The following is an entry in ClinVar:

NM_001004334.4(GPR179):c.2351C>G (p.Pro784Arg)

Gene: GPR179 (G protein-coupled receptor 179; minus strand). Cytogenetic location: 17q12.
Variant type: single nucleotide variant.
Coding change: c.2351C>G on transcript NM_001004334.4 (MANE Select); coding-DNA position 2351, C replaced by G.
Protein change: p.Pro784Arg; replaces proline 784 with arginine.
Molecular consequence: missense variant.
Genome position (GRCh38, 1-based): chr17:38,331,218, G>C on the plus strand (C>G on the coding strand, the complement: GPR179 is on the minus strand). VCF-style: chr17-38331218-G-C. GRCh37 (hg19) VCF-style: chr17-36487101-G-C.
Other names: short protein forms P784R.
Identifiers: ClinVar variation 1411959 (VCV001411959.7), dbSNP rs2144264140, ClinGen allele CA398883461.

ClinVar aggregate classification (germline): Uncertain significance (1 of 4 stars; one submission).

Submission:

Labcorp Genetics (formerly Invitae), Labcorp
Classification: Uncertain significance. Last evaluated: 2023-11-13. Review status: criteria provided, single submitter. Criteria: Invitae Variant Classification Sherloc (09022015). Collection method: clinical testing. Allele origin: germline.
Comment: This sequence change replaces proline, which is neutral and non-polar, with arginine, which is basic and polar, at codon 784 of the GPR179 protein (p.Pro784Arg). This variant is not present in population databases (gnomAD no frequency). This variant has not been reported in the literature in individuals affected with GPR179-related conditions. ClinVar contains an entry for this variant (Variation ID: 1411959). An algorithm developed to predict the effect of missense changes on protein structure and function (PolyPhen-2) suggests that this variant is likely to be disruptive. In summary, the available evidence is currently insufficient to determine the role of this variant in disease. Therefore, it has been classified as a Variant of Uncertain Significance.